The following is an entry in ClinVar:

ClinVar aggregate classification (germline): Likely pathogenic (1 of 4 stars; one submission).

Conditions:
Hereditary cancer-predisposing syndrome. Also called: Neoplastic Syndromes, Hereditary; Tumor predisposition; Hereditary Cancer Syndrome; Hereditary neoplastic syndrome. Identifiers: Orphanet 140162, MedGen C0027672, MeSH D009386, MONDO:0015356.

Submission:

Ambry Genetics
Classification: Likely pathogenic for Hereditary cancer-predisposing syndrome. Last evaluated: 2017-09-22. Review status: criteria provided, single submitter. Criteria: Ambry Variant Classification Scheme 2023. Collection method: clinical testing. Allele origin: germline.
Comment: The c.1717-1G>C intronic variant results from a G to C substitution one nucleotide upstream from coding exon 16 of the TSC2 gene. This nucleotide position is highly conserved in available vertebrate species. Using the BDGP and ESEfinder splice site prediction tools, this alteration is predicted to abolish the native splice acceptor site; however, direct evidence is unavailable. Alterations that disrupt the canonical splice site are expected to cause aberrant splicing, resulting in an abnormal protein or a transcript that is subject to nonsense-mediated mRNA decay. As such, this alteration is classified as likely pathogenic.

NM_000548.5(TSC2):c.1717-1G>C

Gene: TSC2 (TSC complex subunit 2; plus strand). Cytogenetic location: 16p13.3.
Variant type: single nucleotide variant.
Coding change: c.1717-1G>C on transcript NM_000548.5 (MANE Select); the canonical splice acceptor site of the intron before coding-DNA position 1717, G replaced by C.
Molecular consequence: splice acceptor variant.
Genome position (GRCh38, 1-based): chr16:2,070,455, G>C. VCF-style: chr16-2070455-G-C. GRCh37 (hg19) VCF-style: chr16-2120456-G-C.
Other names: c.373-1G>C (NM_001406693.1, NM_001406689.1, NM_001406690.1 and 6 more transcripts); c.1807-1G>C (NM_001406667.1, NM_001406668.1); c.1117-1G>C (NM_001406680.1, NM_001406683.1, NM_001406687.1 and 6 more transcripts); c.115-1G>C (NM_001406698.1); c.1717-1G>C (NM_001114382.3, NM_001406663.1, NM_001406664.1 and 6 more transcripts); c.1705-1G>C (NM_001406671.1, NM_001406673.1); c.1255-1G>C (NM_001406681.1); c.1606-1G>C (NM_001406670.1, NM_001318827.2, NM_001406678.1); and 3 more.
Identifiers: ClinVar variation 1778644 (VCV001778644.2), dbSNP rs45517192, ClinGen allele CA394272628.